The following is an entry in ClinVar:

ClinVar aggregate classification (germline): Uncertain significance (1 of 4 stars; one submission).

Conditions:
BSG-related disorder. Also called: BSG-related condition.

gnomAD v4.1: 52 of 1,611,736 alleles (0.0032%); highest among the groups gnomAD compares: Non-Finnish European, 0.0042%; no homozygotes.

Submission:

PreventionGenetics, part of Exact Sciences
Classification: Uncertain significance for BSG-related condition. Last evaluated: 2024-12-12. Review status: criteria provided, single submitter. Criteria: ACMG Guidelines, 2015. Collection method: clinical testing. Allele origin: germline.
Comment: The BSG c.308C>T variant is predicted to result in the amino acid substitution p.Thr103Met. To our knowledge, this variant has not been reported in the literature. This variant is reported in 0.0027% of alleles in individuals of European (Non-Finnish) descent in gnomAD. At this time, the clinical significance of this variant is uncertain due to the absence of conclusive functional and genetic evidence.

NM_001728.4(BSG):c.308C>T (p.Thr103Met)

Gene: BSG (basigin (Ok blood group); plus strand). Cytogenetic location: 19p13.3.
Variant type: single nucleotide variant.
Coding change: c.308C>T on transcript NM_001728.4 (MANE Select); coding-DNA position 308, C replaced by T.
Protein change: p.Thr103Met; replaces threonine 103 with methionine.
Molecular consequence: missense variant. On other transcripts: intron variant (4).
Genome position (GRCh38, 1-based): chr19:578,014, C>T. VCF-style: chr19-578014-C-T. GRCh37 (hg19) VCF-style: chr19-578014-C-T.
Other names: c.-212-1486C>T (NM_198590.3); c.-55-2365C>T (NM_198591.4); c.68-1486C>T (NM_198589.3, NM_001322243.2); short protein forms T103M.
Identifiers: ClinVar variation 4985656 (VCV004985656.1).
Genomic context (GRCh38, chr19:578,014, plus strand): 5'-CCACCTACCACCAGCACGCGGCCAGCACCATCTCCATCGACACGCTCGTGGAGGAGGACA[C>T]GGGCACTTACGAGTGCCGGGCCAGCAACGACCCGGATCGCAACCACCTGACCCGGGCGCC-3'
Protein context (NP_001719.2, residues 93-113): ISIDTLVEED[Thr103Met]GTYECRASND